The following is an entry in ClinVar:

NM_152263.4(TPM3):c.788C>G (p.Ala263Gly)

Gene: TPM3 (tropomyosin 3; minus strand). Cytogenetic location: 1q21.3.
Variant type: single nucleotide variant.
Coding change: c.788C>G on transcript NM_152263.4 (MANE Select); coding-DNA position 788, C replaced by G.
Protein change: p.Ala263Gly; replaces alanine 263 with glycine.
Molecular consequence: missense variant. On other transcripts: intron variant (10).
Genome position (GRCh38, 1-based): chr1:154,169,371, G>C on the plus strand (C>G on the coding strand, the complement: TPM3 is on the minus strand). VCF-style: chr1-154169371-G-C. GRCh37 (hg19) VCF-style: chr1-154141847-G-C.
Other names: c.677C>G, p.Ala226Gly (NM_001278189.2, NM_001349679.2, NM_001364683.1); c.788C>G, p.Ala263Gly (NM_001364682.1); c.775+1029C>G (NM_001364679.2, NM_001364681.2, NM_001364680.2); c.466+1029C>G (NM_001278188.2); c.664+1029C>G (NM_001043351.2, NM_001043353.2, NM_153649.4 and 1 more transcripts); c.601+1029C>G (NM_001278190.2); c.394+1029C>G (NM_001278191.2); short protein forms A263G, A226G.
Identifiers: ClinVar variation 462143 (VCV000462143.5), dbSNP rs1455676920, ClinGen allele CA342582763.

ClinVar aggregate classification (germline): Uncertain significance (1 of 4 stars; one submission).

Conditions:
Congenital myopathy 4B, autosomal recessive. Also called: Nemaline myopathy 1, autosomal dominant or recessive. Identifiers: Orphanet 171433, Orphanet 171439, Orphanet 171881, MedGen C5829889, MONDO:0012239, OMIM 609284.
Congenital myopathy with fiber type disproportion. Also called: Congenital fiber-type disproportion myopathy; Congenital fiber-type disproportion. Identifiers: Orphanet 2020, MedGen C0546264, MONDO:0009711. Inheritance: all.

Allele frequency attached by ClinVar (database versions not stated): TOPMed below 0.00001; gnomAD 0.00001.
gnomAD v4.1: 2 of 1,614,080 alleles (0.00012%); highest among the groups gnomAD compares: Non-Finnish European, 0.00017%; no homozygotes.

Submission:

Labcorp Genetics (formerly Invitae), Labcorp
Classification: Uncertain significance for Congenital myopathy with fiber type disproportion; Congenital myopathy 4B, autosomal recessive. Last evaluated: 2023-12-09. Review status: criteria provided, single submitter. Criteria: Invitae Variant Classification Sherloc (09022015). Collection method: clinical testing. Allele origin: germline.
Comment: This sequence change replaces alanine, which is neutral and non-polar, with glycine, which is neutral and non-polar, at codon 263 of the TPM3 protein (p.Ala263Gly). This variant is not present in population databases (gnomAD no frequency). This variant has not been reported in the literature in individuals affected with TPM3-related conditions. ClinVar contains an entry for this variant (Variation ID: 462143). Advanced modeling of protein sequence and biophysical properties (such as structural, functional, and spatial information, amino acid conservation, physicochemical variation, residue mobility, and thermodynamic stability) performed at Invitae indicates that this missense variant is not expected to disrupt TPM3 protein function with a negative predictive value of 80%. In summary, the available evidence is currently insufficient to determine the role of this variant in disease. Therefore, it has been classified as a Variant of Uncertain Significance.